The following is an entry in ClinVar:

ClinVar aggregate classification (germline): Likely benign (1 of 4 stars; one submission).

Allele frequency attached by ClinVar (database versions not stated): gnomAD exomes 0.00172; gnomAD 0.01187 and 0.01266; TOPMed 0.01380; 1000 Genomes Project 0.01510; 1000 Genomes Project 30x 0.01540.
gnomAD v4.1: 2,157 of 570,626 alleles (0.38%); highest among the groups gnomAD compares: African/African-American, 4%; 30 homozygotes.

Submission:

GeneDx
Classification: Likely benign. Last evaluated: 2018-06-14. Review status: criteria provided, single submitter. Criteria: GeneDx Variant Classification (06012015). Collection method: clinical testing. Allele origin: germline. Affected: yes.
Comment: This variant is considered likely benign or benign based on one or more of the following criteria: it is a conservative change, it occurs at a poorly conserved position in the protein, it is predicted to be benign by multiple in silico algorithms, and/or has population frequency not consistent with disease.

NM_002294.3(LAMP2):c.929-126G>A

Gene: LAMP2 (lysosomal associated membrane protein 2; minus strand). Cytogenetic location: Xq24.
Variant type: single nucleotide variant.
Coding change: c.929-126G>A on transcript NM_002294.3 (MANE Select); 126 bases into the intron before coding-DNA position 929, G replaced by A.
Molecular consequence: intron variant.
Genome position (GRCh38, 1-based): chrX:120,442,020, C>T on the plus strand (G>A on the coding strand, the complement: LAMP2 is on the minus strand). VCF-style: chrX-120442020-C-T. GRCh37 (hg19) VCF-style: chrX-119575875-C-T.
Other names: c.929-126G>A (NM_001122606.1, NM_013995.2).
Identifiers: ClinVar variation 675318 (VCV000675318.1), dbSNP rs7888393, ClinGen allele CA335013121.